The following is an entry in ClinVar:

ClinVar aggregate classification (germline): Uncertain significance (1 of 4 stars; one submission).

Submission:

Labcorp Genetics (formerly Invitae), Labcorp
Classification: Uncertain significance. Last evaluated: 2023-07-30. Review status: criteria provided, single submitter. Criteria: Invitae Variant Classification Sherloc (09022015). Collection method: clinical testing. Allele origin: germline.
Comment: The FMN1 gene has multiple clinically relevant transcripts. This variant occurs in alternate transcript NM_001277314.1, and corresponds to NM_001103184.3:c.-85678C>T in the primary transcript. In summary, the available evidence is currently insufficient to determine the role of this variant in disease. Therefore, it has been classified as a Variant of Uncertain Significance. Experimental studies and prediction algorithms are not available or were not evaluated, and the effect of this variant on mRNA splicing is currently unknown. Experimental studies and prediction algorithms are not available or were not evaluated, and the functional significance of this variant is currently unknown. This variant has not been reported in the literature in individuals affected with FMN1-related conditions. This variant is not present in population databases (gnomAD no frequency). This sequence change affects codon 451 of the FMN1 mRNA. It is a 'silent' change, meaning that it does not change the encoded amino acid sequence of the FMN1 protein.

NM_001277313.2(FMN1):c.1353C>T (p.Arg451=)

Gene: FMN1 (formin 1; minus strand). Cytogenetic location: 15q13.3.
Variant type: single nucleotide variant.
Coding change: c.1353C>T on transcript NM_001277313.2 (MANE Select); coding-DNA position 1353, C replaced by T.
Protein change: p.Arg451=; no amino-acid change (arginine 451 retained).
Molecular consequence: synonymous variant.
Genome position (GRCh38, 1-based): chr15:33,153,562, G>A on the plus strand (C>T on the coding strand, the complement: FMN1 is on the minus strand). VCF-style: chr15-33153562-G-A. GRCh37 (hg19) VCF-style: chr15-33445763-G-A.
Other names: c.1353C>T, p.Arg451= (NM_001277314.2).
Identifiers: ClinVar variation 2863459 (VCV002863459.3), dbSNP rs1964538801, ClinGen allele CA489658882.